The following is an entry in ClinVar:

ClinVar aggregate classification (germline): Pathogenic. Review status: criteria provided, multiple submitters, no conflicts (2 of 4 stars). 2 submissions from 2 submitters: Pathogenic (2). Last evaluated 2025-02-27.

Conditions:
Cardiovascular phenotype. Identifiers: MedGen CN230736.
Long QT syndrome (LQTS). Identifiers: MedGen C0023976, MeSH D008133, MONDO:0002442. Disease mechanism: loss of function. Inheritance: Various modes of inheritance.

Submissions (2):

Labcorp Genetics (formerly Invitae), Labcorp
Classification: Pathogenic for Long QT syndrome. Last evaluated: 2025-02-27. Review status: criteria provided, single submitter. Criteria: Invitae Variant Classification Sherloc (09022015). Collection method: clinical testing. Allele origin: germline.
Comment: This sequence change creates a premature translational stop signal (p.Ala527Argfs*38) in the KCNH2 gene. It is expected to result in an absent or disrupted protein product. Loss-of-function variants in KCNH2 are known to be pathogenic (PMID: 10973849, 19862833). This variant is not present in population databases (gnomAD no frequency). This variant has not been reported in the literature in individuals affected with KCNH2-related conditions. ClinVar contains an entry for this variant (Variation ID: 851169). For these reasons, this variant has been classified as Pathogenic.

Ambry Genetics
Classification: Pathogenic for Cardiovascular phenotype. Last evaluated: 2025-02-20. Review status: criteria provided, single submitter. Criteria: Ambry Variant Classification Scheme 2023. Collection method: clinical testing. Allele origin: germline.
Comment: The c.1578delT pathogenic mutation, located in coding exon 7 of the KCNH2 gene, results from a deletion of one nucleotide at nucleotide position 1578, causing a translational frameshift with a predicted alternate stop codon (p.A527Rfs*38). This variant is considered to be rare based on population cohorts in the Genome Aggregation Database (gnomAD). This alteration is expected to result in loss of function by premature protein truncation or nonsense-mediated mRNA decay. As such, this alteration is interpreted as a disease-causing mutation.

Literature cited by the submitters: PubMed 10973849 (cited by Labcorp Genetics (formerly Invitae), Labcorp); PubMed 19862833 (cited by Labcorp Genetics (formerly Invitae), Labcorp).

NM_000238.4(KCNH2):c.1578del (p.Ala527fs)

Gene: KCNH2 (potassium voltage-gated channel subfamily H member 2; minus strand). Cytogenetic location: 7q36.1.
Variant type: Deletion.
Coding change: c.1578del on transcript NM_000238.4 (MANE Select); coding-DNA position 1578, one base deleted (T; older notation c.1578delT).
Protein change: p.Ala527fs; shifts the reading frame from alanine 527.
Molecular consequence: frameshift variant.
Genome position (GRCh38, 1-based): chr7:150,951,815, A deleted on the plus strand (T on the coding strand, the reverse complement: KCNH2 is on the minus strand). VCF-style (leftmost placement, unchanged base first): chr7-150951814-CA-C. GRCh37 (hg19) VCF-style: chr7-150648902-CA-C.
Other names: c.558del, p.Ala187fs (NM_001204798.2, NM_172057.3); c.1290delT, p.Ala431Argfs (NM_001406753.1, NM_001406756.1); c.1401delT, p.Ala468Argfs (NM_001406755.1); c.1278delT, p.Ala427Argfs (NM_001406757.1); c.1578delT, p.Ala527Argfs (NM_172056.3); short protein forms A187fs, A527fs.
Identifiers: ClinVar variation 851169 (VCV000851169.8), dbSNP rs1801183828, ClinGen allele CA916080388.